The following is an entry in ClinVar:

NM_000215.4(JAK3):c.3200C>T (p.Pro1067Leu)

Gene: JAK3 (Janus kinase 3; minus strand). Cytogenetic location: 19p13.11.
Variant type: single nucleotide variant.
Coding change: c.3200C>T on transcript NM_000215.4 (MANE Select); coding-DNA position 3200, C replaced by T.
Protein change: p.Pro1067Leu; replaces proline 1067 with leucine.
Molecular consequence: missense variant.
Genome position (GRCh38, 1-based): chr19:17,830,115, G>A on the plus strand (C>T on the coding strand, the complement: JAK3 is on the minus strand). VCF-style: chr19-17830115-G-A. GRCh37 (hg19) VCF-style: chr19-17940924-G-A.
Other names: short protein forms P1067L.
Identifiers: ClinVar variation 840904 (VCV000840904.10), dbSNP rs1223885282, ClinGen allele CA404763913.
Genomic context (GRCh38, chr19:17,830,115, plus strand): 5'-ACCCCGGCCCAATCTACAGACTGGGAAACTGAGGCTAGCCCTGCGGCGCTCACCTCAGCA[G>A]GGCAGGCAGGAGGCGCCGGCAGCCTCTGGCCCTCCTCCAGCAGTTCCAAGAGGCGGCAGA-3'
Protein context (NP_000206.2, residues 1057-1077): GQRLPAPPAC[Pro1067Leu]AEVHELMKLC

ClinVar aggregate classification (germline): Uncertain significance. Review status: criteria provided, multiple submitters, no conflicts (2 of 4 stars). 2 submissions from 2 submitters: Uncertain significance (2). Last evaluated 2025-01-17.

Conditions:
Inborn genetic diseases. Identifiers: MedGen C0950123, MeSH D030342.
T-B+ severe combined immunodeficiency due to JAK3 deficiency. Also called: SCID, T CELL-NEGATIVE, B CELL-POSITIVE, NK CELL-NEGATIVE; SCID, autosomal recessive, T-negative/B-positive type. Identifiers: Orphanet 35078, MedGen C1833275, MONDO:0010938, OMIM 600802.

Allele frequency attached by ClinVar (database versions not stated): gnomAD exomes below 0.00001; TOPMed below 0.00001; gnomAD 0.00001.
gnomAD v4.1: 2 of 1,578,522 alleles (0.00013%); highest among the groups gnomAD compares: South Asian, 0.0012%; no homozygotes.

Submissions (2):

Ambry Genetics
Classification: Uncertain significance for Inborn genetic diseases. Last evaluated: 2025-01-17. Review status: criteria provided, single submitter. Criteria: Ambry Variant Classification Scheme 2023. Collection method: clinical testing. Allele origin: germline.

Labcorp Genetics (formerly Invitae), Labcorp
Classification: Uncertain significance for T-B+ severe combined immunodeficiency due to JAK3 deficiency. Last evaluated: 2021-07-19. Review status: criteria provided, single submitter. Criteria: Invitae Variant Classification Sherloc (09022015). Collection method: clinical testing. Allele origin: germline.
Comment: This sequence change replaces proline with leucine at codon 1067 of the JAK3 protein (p.Pro1067Leu). The proline residue is highly conserved and there is a moderate physicochemical difference between proline and leucine. The frequency data for this variant in the population databases is considered unreliable, as metrics indicate insufficient coverage at this position in the ExAC database. This variant has not been reported in the literature in individuals with JAK3-related conditions. Algorithms developed to predict the effect of missense changes on protein structure and function (SIFT, PolyPhen-2, Align-GVGD) all suggest that this variant is likely to be disruptive, but these predictions have not been confirmed by published functional studies and their clinical significance is uncertain. In summary, the available evidence is currently insufficient to determine the role of this variant in disease. Therefore, it has been classified as a Variant of Uncertain Significance.